The following is an entry in ClinVar:

NM_000256.3(MYBPC3):c.2286C>G (p.Val762=)

Gene: MYBPC3 (myosin binding protein C3; minus strand). Cytogenetic location: 11p11.2.
Variant type: single nucleotide variant.
Coding change: c.2286C>G on transcript NM_000256.3 (MANE Select); coding-DNA position 2286, C replaced by G.
Protein change: p.Val762=; no amino-acid change (valine 762 retained).
Molecular consequence: synonymous variant.
Genome position (GRCh38, 1-based): chr11:47,338,542, G>C on the plus strand (C>G on the coding strand, the complement: MYBPC3 is on the minus strand). VCF-style: chr11-47338542-G-C. GRCh37 (hg19) VCF-style: chr11-47360093-G-C.
Identifiers: ClinVar variation 1139216 (VCV001139216.10), dbSNP rs2142856547, ClinGen allele CA474216966.
Genomic context (GRCh38, chr11:47,338,542, plus strand): 5'-CCTCTGTGTTCTCCAGCTTGGACCCCGGCCGGCCTCACCGATGACCTTGACTGTGAGGTT[G>C]ACCTGGTCCTCGCCCACAGGGTTCTTCACTGTGACCGTGTAGACGCCCTCATCTTCCTTC-3'
Protein context (NP_000247.2, residues 752-772): TVKNPVGEDQ[Val762=]NLTVKVIDVP

ClinVar aggregate classification (germline): Conflicting classifications of pathogenicity. Review status: criteria provided, conflicting classifications (1 of 4 stars). 2 submissions from 2 submitters: Uncertain significance (1); Likely benign (1). Last evaluated 2025-10-25.

Conditions:
Cardiovascular phenotype. Identifiers: MedGen CN230736.
Hypertrophic cardiomyopathy. Also called: HYPERTROPHIC MYOCARDIOPATHY. Identifiers: Orphanet 217569, MedGen C0007194, MeSH D002312, MONDO:0005045, HP:0001639.

Allele frequency attached by ClinVar (database versions not stated): gnomAD exomes below 0.00001.
gnomAD v4.1: 1 of 1,614,054 alleles (0.000062%); highest among the groups gnomAD compares: Non-Finnish European, 0.000085%; no homozygotes.

Submissions (2):

Labcorp Genetics (formerly Invitae), Labcorp
Classification: Likely benign for Hypertrophic cardiomyopathy. Last evaluated: 2025-10-25. Review status: criteria provided, single submitter. Criteria: Invitae Variant Classification Sherloc (09022015). Collection method: clinical testing. Allele origin: germline.

Ambry Genetics
Classification: Uncertain significance for Cardiovascular phenotype. Last evaluated: 2023-09-14. Review status: criteria provided, single submitter. Criteria: Ambry Variant Classification Scheme 2023. Collection method: clinical testing. Allele origin: germline.
Comment: The c.2286C>G variant (also known as p.V762V), located in coding exon 23 of the MYBPC3 gene, results from a C to G substitution at nucleotide position 2286. This nucleotide substitution does not change the valine at codon 762. This nucleotide position is not well conserved in available vertebrate species. In silico splice site analysis predicts that this alteration will result in the creation or strengthening of a novel splice donor site. Since supporting evidence is limited at this time, the clinical significance of this alteration remains unclear.